The following is an entry in ClinVar:

NM_001034853.2(RPGR):c.2628_2632GGA[2]AGAAGGGGAGGAAGGAGAAGGAGG[1] (p.Gly878fs)

Gene: RPGR (retinitis pigmentosa GTPase regulator; minus strand). Cytogenetic location: Xp11.4.
Variant type: Microsatellite.
Coding change: c.2628_2632GGA[2]AGAAGGGGAGGAAGGAGAAGGAGG[1] on transcript NM_001034853.2 (MANE Select).
Protein change: p.Gly878fs; shifts the reading frame from glycine 878.
Molecular consequence: frameshift variant. On other transcripts: intron variant (8).
Genome position: GRCh38 VCF-style: chrX-38286366-C-CCCTCCTTCTCCTTCCTCCCCTTCTT. GRCh37 (hg19) VCF-style: chrX-38145619-C-CCCTCCTTCTCCTTCCTCCCCTTCTT.
Other names: c.1569+4592_1569+4593insGGAGGAAGAAGGGGAGGAAGGAGAA (NM_001367249.1, NM_001367250.1); c.1902+727_1902+728insGGAGGAAGAAGGGGAGGAAGGAGAA (NM_001367245.1); c.1386+4592_1386+4593insGGAGGAAGAAGGGGAGGAAGGAGAA (NM_001367251.1); c.1719+727_1719+728insGGAGGAAGAAGGGGAGGAAGGAGAA (NM_001367246.1); c.1572+4592_1572+4593insGGAGGAAGAAGGGGAGGAAGGAGAA (NM_001367247.1); c.1905+727_1905+728insGGAGGAAGAAGGGGAGGAAGGAGAA (NM_000328.3); c.1602+4592_1602+4593insGGAGGAAGAAGGGGAGGAAGGAGAA (NM_001367248.1); short protein forms G878fs.
Identifiers: ClinVar variation 3653380 (VCV003653380.2).

ClinVar aggregate classification (germline): Pathogenic (1 of 4 stars; one submission).

Conditions:
Primary ciliary dyskinesia. Also called: Ciliary dyskinesia. Identifiers: Orphanet 244, MedGen C0008780, MONDO:0016575, HP:0012265.

Submission:

Labcorp Genetics (formerly Invitae), Labcorp
Classification: Pathogenic for Primary ciliary dyskinesia. Last evaluated: 2024-11-06. Review status: criteria provided, single submitter. Criteria: Invitae Variant Classification Sherloc (09022015). Collection method: clinical testing. Allele origin: germline.
Comment: This sequence change creates a premature translational stop signal (p.Gly878Glufs*209) in the RPGR (ORF15) gene. While this is not anticipated to result in nonsense mediated decay, it is expected to disrupt the last 275 amino acid(s) of the RPGR (ORF15) protein. The frequency data for this variant in the population databases is considered unreliable, as metrics indicate insufficient coverage at this position in the gnomAD database. This variant has not been reported in the literature in individuals affected with RPGR (ORF15)-related conditions. This variant disrupts a region of the RPGR (ORF15) protein in which other variant(s) (p.Leu1130Lysfs*13) have been determined to be pathogenic (PMID: 22264887; internal data). This suggests that this is a clinically significant region of the protein, and that variants that disrupt it are likely to be disease-causing. For these reasons, this variant has been classified as Pathogenic.

Literature cited by the submitters: PubMed 22264887.